The following is an entry in ClinVar:

ClinVar aggregate classification (germline): Uncertain significance (1 of 4 stars; one submission).

Conditions:
Charcot-Marie-Tooth Neuropathy X. Identifiers: MedGen CN118851.

Submission:

Labcorp Genetics (formerly Invitae), Labcorp
Classification: Uncertain significance for Charcot-Marie-Tooth Neuropathy X. Last evaluated: 2025-01-12. Review status: criteria provided, single submitter. Criteria: Invitae Variant Classification Sherloc (09022015). Collection method: clinical testing. Allele origin: germline.
Comment: This variant occurs in a non-coding region of the GJB1 gene. It does not change the encoded amino acid sequence of the GJB1 protein. It affects a nucleotide within the consensus splice site. The frequency data for this variant in the population databases is considered unreliable, as metrics indicate insufficient coverage at this position in the gnomAD database. This variant has been observed in individual(s) with clinical features of Charcot-Marie-Tooth disease (internal data). Variants that disrupt the consensus splice site are a relatively common cause of aberrant splicing (PMID: 17576681, 9536098). Algorithms developed to predict the effect of sequence changes on RNA splicing suggest that this variant is not likely to affect RNA splicing. In summary, the available evidence is currently insufficient to determine the role of this variant in disease. Therefore, it has been classified as a Variant of Uncertain Significance.

Literature cited by the submitters: PubMed 17576681; PubMed 9536098.

NM_000166.6(GJB1):c.-17+5G>T

Gene: GJB1 (gap junction protein beta 1; plus strand). Cytogenetic location: Xq13.1.
Variant type: single nucleotide variant.
Coding change: c.-17+5G>T on transcript NM_000166.6 (MANE Select); 5 bases into the intron after 17 bases upstream of the start codon, G replaced by T.
Molecular consequence: intron variant.
Genome position (GRCh38, 1-based): chrX:71,223,340, G>T. VCF-style: chrX-71223340-G-T. GRCh37 (hg19) VCF-style: chrX-70443190-G-T.
Other names: c.-16-352G>T (NM_001097642.3).
Identifiers: ClinVar variation 3728860 (VCV003728860.2).